The following is an entry in ClinVar:

NM_003128.3(SPTBN1):c.3030A>G (p.Ala1010=)

Gene: SPTBN1 (spectrin beta, non-erythrocytic 1; plus strand). Cytogenetic location: 2p16.2.
Variant type: single nucleotide variant.
Coding change: c.3030A>G on transcript NM_003128.3 (MANE Select); coding-DNA position 3030, A replaced by G.
Protein change: p.Ala1010=; no amino-acid change (alanine 1010 retained).
Molecular consequence: synonymous variant.
Genome position (GRCh38, 1-based): chr2:54,631,077, A>G. VCF-style: chr2-54631077-A-G. GRCh37 (hg19) VCF-style: chr2-54858214-A-G.
Other names: c.2991A>G, p.Ala997= (NM_178313.3).
Identifiers: ClinVar variation 3037683 (VCV003037683.2), dbSNP rs61730127, ClinGen allele CA1660746.
Genomic context (GRCh38, chr2:54,631,077, plus strand): 5'-CGTCATGGCCCTGCAGCGCAAGCTGACCGGCATGGAGCGGGACTTGGTGGCCATTGAGGC[A>G]AAGCTGAGTGACCTGCAGAAGGAGGCGGAGAAGCTGGAGTCCGAGCACCCCGACCAGGCC-3'
Protein context (NP_003119.2, residues 1000-1020): GMERDLVAIE[Ala1010=]KLSDLQKEAE

ClinVar aggregate classification (germline): Benign (0 of 4 stars; one submission).

Conditions:
SPTBN1-related disorder. Also called: SPTBN1-related condition.

Allele frequency attached by ClinVar (database versions not stated): 1000 Genomes Project 30x 0.02733; 1000 Genomes Project 0.02776; TOPMed 0.04623; gnomAD 0.04840; ExAC 0.05059; ESP Exome Variant Server 0.05605; gnomAD exomes 0.06378.
gnomAD v4.1: 100,205 of 1,614,064 alleles (6.2%); highest among the groups gnomAD compares: Middle Eastern, 8.7%; 3,529 homozygotes.

Submission:

PreventionGenetics, part of Exact Sciences
Classification: Benign for SPTBN1-related condition. Last evaluated: 2024-03-15. Review status: no assertion criteria provided. Collection method: clinical testing. Allele origin: germline.
Comment: This variant is classified as benign based on ACMG/AMP sequence variant interpretation guidelines (Richards et al. 2015 PMID: 25741868, with internal and published modifications).